The following is an entry in ClinVar:

ClinVar aggregate classification (germline): Uncertain significance (1 of 4 stars; one submission).

Conditions:
Martsolf syndrome 1. Identifiers: Orphanet 1387, MedGen C5542298, MONDO:8000008, OMIM 212720.

Submission:

Victorian Clinical Genetics Services, Murdoch Childrens Research Institute
Classification: Uncertain significance for Martsolf syndrome 1. Last evaluated: 2022-03-31. Review status: criteria provided, single submitter. Criteria: ACMG Guidelines, 2015. Collection method: clinical testing. Allele origin: germline. Inheritance: Autosomal recessive inheritance. Affected: yes.
Comment: Based on the classification scheme VCGS_Germline_v1.3.4, this variant is classified as VUS-3B. Following criteria are met: 0102 - Loss of function is a known mechanism of disease in this gene and is associated with Martsolf syndrome (MIM212720) and Warburg micro syndrome 2 (MIM#614225). (I) 0106 - This gene is associated with autosomal recessive disease. (I) 0200 - Variant is predicted to result in a missense amino acid change from tryptophan to cysteine. (I) 0251 - This variant is heterozygous. (I) 0301 - Variant is absent from gnomAD (both v2 and v3). (SP) 0501 - Missense variant consistently predicted to be damaging by multiple in silico tools and very highly conserved with a major amino acid change. (SP) 0600 - Variant is located in the annotated Rab3 GTPase-activating protein regulatory subunit N-terminus (DECIPHER). (I) 0705 - No comparable missense variants have previous evidence for pathogenicity. (I) 0807 - This variant has no previous evidence of pathogenicity. (I) 0905 - No published segregation evidence has been identified for this variant. (I) 1007 - No published functional evidence has been identified for this variant. (I) Legend: (SP) - Supporting pathogenic, (I) - Information, (SB) - Supporting benign

NM_012414.4(RAB3GAP2):c.1434G>C (p.Trp478Cys)

Gene: RAB3GAP2 (RAB3 GTPase activating non-catalytic protein subunit 2; minus strand). Cytogenetic location: 1q41.
Variant type: single nucleotide variant.
Coding change: c.1434G>C on transcript NM_012414.4 (MANE Select); coding-DNA position 1434, G replaced by C.
Protein change: p.Trp478Cys; replaces tryptophan 478 with cysteine.
Molecular consequence: missense variant.
Genome position (GRCh38, 1-based): chr1:220,191,121, C>G on the plus strand (G>C on the coding strand, the complement: RAB3GAP2 is on the minus strand). VCF-style: chr1-220191121-C-G. GRCh37 (hg19) VCF-style: chr1-220364463-C-G.
Other names: short protein forms W478C.
Identifiers: ClinVar variation 1805398 (VCV001805398.1), dbSNP rs587777168, ClinGen allele CA344645422.